The following is an entry in ClinVar:

NM_033004.4(NLRP1):c.3517C>T (p.Gln1173Ter)

Gene: NLRP1 (NLR family pyrin domain containing 1; minus strand). Cytogenetic location: 17p13.2.
Variant type: single nucleotide variant.
Coding change: c.3517C>T on transcript NM_033004.4 (MANE Select); coding-DNA position 3517, C replaced by T.
Protein change: p.Gln1173Ter; replaces glutamine 1173 with a stop codon.
Molecular consequence: nonsense.
Genome position (GRCh38, 1-based): chr17:5,530,484, G>A on the plus strand (C>T on the coding strand, the complement: NLRP1 is on the minus strand). VCF-style: chr17-5530484-G-A. GRCh37 (hg19) VCF-style: chr17-5433804-G-A.
Other names: c.3529C>T, p.Gln1177Ter (NM_001033053.3); c.3517C>T, p.Gln1173Ter (NM_014922.5); c.3427C>T, p.Gln1143Ter (NM_033006.4, NM_033007.4); short protein forms Q1143*, Q1173*, Q1177*.
Identifiers: ClinVar variation 4806555 (VCV004806555.1).

ClinVar aggregate classification (germline): Uncertain significance (1 of 4 stars; one submission).

gnomAD v4.1: 3 of 1,613,284 alleles (0.00019%); highest among the groups gnomAD compares: Non-Finnish European, 0.00025%; no homozygotes.

Submission:

Labcorp Genetics (formerly Invitae), Labcorp
Classification: Uncertain significance. Last evaluated: 2025-12-06. Review status: criteria provided, single submitter. Criteria: Invitae Variant Classification Sherloc (09022015). Collection method: clinical testing. Allele origin: germline.
Comment: This sequence change creates a premature translational stop signal (p.Gln1173*) in the NLRP1 gene. It is expected to result in an absent or disrupted protein product. However, the current clinical and genetic evidence is not sufficient to establish whether loss-of-function variants in NLRP1 cause disease. This variant is present in population databases (rs762024829, gnomAD 0.002%). This variant has not been reported in the literature in individuals affected with NLRP1-related conditions. In summary, the available evidence is currently insufficient to determine the role of this variant in disease. Therefore, it has been classified as a Variant of Uncertain Significance.